The following is an entry in ClinVar:

NM_001082486.2(ACD):c.968C>T (p.Pro323Leu)

Gene: ACD (ACD shelterin complex subunit and telomerase recruitment factor; minus strand). Cytogenetic location: 16q22.1.
Variant type: single nucleotide variant.
Coding change: c.968C>T on transcript NM_001082486.2 (MANE Select); coding-DNA position 968, C replaced by T.
Protein change: p.Pro323Leu; replaces proline 323 with leucine.
Molecular consequence: missense variant.
Genome position (GRCh38, 1-based): chr16:67,658,224, G>A on the plus strand (C>T on the coding strand, the complement: ACD is on the minus strand). VCF-style: chr16-67658224-G-A. GRCh37 (hg19) VCF-style: chr16-67692127-G-A.
Other names: c.881C>T, p.Pro294Leu (NM_001410884.1); c.959C>T, p.Pro320Leu (NM_022914.3); short protein forms P294L, P323L, P320L.
Identifiers: ClinVar variation 3480084 (VCV003480084.1).

ClinVar aggregate classification (germline): Uncertain significance (1 of 4 stars; one submission).

Conditions:
Inborn genetic diseases. Identifiers: MedGen C0950123, MeSH D030342.

Submission:

Ambry Genetics
Classification: Uncertain significance for Inborn genetic diseases. Last evaluated: 2024-07-17. Review status: criteria provided, single submitter. Criteria: Ambry Variant Classification Scheme 2023. Collection method: clinical testing. Allele origin: germline.
Comment: The p.P409L variant (also known as c.1226C>T), located in coding exon 10 of the ACD gene, results from a C to T substitution at nucleotide position 1226. The proline at codon 409 is replaced by leucine, an amino acid with similar properties. This amino acid position is conserved. In addition, this alteration is predicted to be tolerated by in silico analysis. Based on the available evidence, the clinical significance of this variant remains unclear.